The following is an entry in ClinVar:

ClinVar aggregate classification (germline): Uncertain significance. Review status: criteria provided, multiple submitters, no conflicts (2 of 4 stars). 2 submissions from 2 submitters: Uncertain significance (2). Last evaluated 2025-02-03.

gnomAD v4.1: 29 of 1,612,390 alleles (0.0018%); highest among the groups gnomAD compares: South Asian, 0.0044%; no homozygotes.

Submissions (2):

Labcorp Genetics (formerly Invitae), Labcorp
Classification: Uncertain significance. Last evaluated: 2025-02-03. Review status: criteria provided, single submitter. Criteria: Invitae Variant Classification Sherloc (09022015). Collection method: clinical testing. Allele origin: germline.
Comment: This sequence change replaces threonine, which is neutral and polar, with isoleucine, which is neutral and non-polar, at codon 686 of the SEMA4A protein (p.Thr686Ile). This variant is present in population databases (rs751185882, gnomAD 0.04%). This variant has not been reported in the literature in individuals affected with SEMA4A-related conditions. An algorithm developed to predict the effect of missense changes on protein structure and function outputs the following: PolyPhen-2: "Benign". The isoleucine amino acid residue is found in multiple mammalian species, which suggests that this missense change does not adversely affect protein function. In summary, the available evidence is currently insufficient to determine the role of this variant in disease. Therefore, it has been classified as a Variant of Uncertain Significance.

Ambry Genetics
Classification: Uncertain significance. Last evaluated: 2024-12-31. Review status: criteria provided, single submitter. Criteria: Ambry Variant Classification Scheme 2023. Collection method: clinical testing. Allele origin: germline.

NM_022367.4(SEMA4A):c.2057C>T (p.Thr686Ile)

Gene: SEMA4A (semaphorin 4A; plus strand). Cytogenetic location: 1q22.
Variant type: single nucleotide variant.
Coding change: c.2057C>T on transcript NM_022367.4 (MANE Select); coding-DNA position 2057, C replaced by T.
Protein change: p.Thr686Ile; replaces threonine 686 with isoleucine.
Molecular consequence: missense variant.
Genome position (GRCh38, 1-based): chr1:156,176,768, C>T. VCF-style: chr1-156176768-C-T. GRCh37 (hg19) VCF-style: chr1-156146559-C-T.
Other names: c.2057C>T, p.Thr686Ile (NM_001193300.2, NM_001193301.2, NM_001370567.1); c.1661C>T, p.Thr554Ile (NM_001193302.2); c.1760C>T, p.Thr587Ile (NM_001370568.1); c.1550C>T, p.Thr517Ile (NM_001370569.1, NM_001370571.1); c.2057C>T (NM_022367.3); short protein forms T554I, T517I, T587I, T686I.
Identifiers: ClinVar variation 3699565 (VCV003699565.3).